The following is an entry in ClinVar:

ClinVar aggregate classification (germline): Uncertain significance (1 of 4 stars; one submission).

Allele frequency attached by ClinVar (database versions not stated): gnomAD 0.00001; gnomAD exomes below 0.00001; TOPMed below 0.00001.
gnomAD v4.1: 2 of 1,539,876 alleles (0.00013%); highest among the groups gnomAD compares: Non-Finnish European, 0.00017%; no homozygotes.

Submission:

GeneDx
Classification: Uncertain significance. Last evaluated: 2022-04-05. Review status: criteria provided, single submitter. Criteria: GeneDx Variant Classification Process June 2021. Collection method: clinical testing. Allele origin: germline. Affected: yes.
Comment: Not observed at significant frequency in large population cohorts (gnomAD); In silico analysis supports that this missense variant has a deleterious effect on protein structure/function; Has not been previously published as pathogenic or benign to our knowledge

NM_080425.4(GNAS):c.1340C>T (p.Pro447Leu)

Gene: GNAS (GNAS complex locus; plus strand). Cytogenetic location: 20q13.32.
Variant type: single nucleotide variant.
Coding change: c.1340C>T on transcript NM_080425.4 (MANE Plus Clinical); coding-DNA position 1340, C replaced by T.
Protein change: p.Pro447Leu; replaces proline 447 with leucine.
Molecular consequence: missense variant. On other transcripts: synonymous variant (2), intron variant (3).
Genome position (GRCh38, 1-based): chr20:58,854,605, C>T. VCF-style: chr20-58854605-C-T. GRCh37 (hg19) VCF-style: chr20-57429660-C-T.
Other names: c.1153C>T, p.Leu385= (NM_001077490.3, NM_001309883.1); c.1340C>T, p.Pro447Leu (NM_001410913.1); c.*42+13719C>T (NM_016592.5); c.43+13719C>T (NM_001410912.1); c.-39+12730C>T (NM_001309861.2); short protein forms P447L.
Identifiers: ClinVar variation 1708843 (VCV001708843.2), dbSNP rs1200605369, ClinGen allele CA409460175.